The following is an entry in ClinVar:

ClinVar aggregate classification (germline): Pathogenic (1 of 4 stars; one submission).

Conditions:
DICER1-related tumor predisposition. Also called: DICER1-related pleuropulmonary blastoma cancer predisposition syndrome; DICER1 syndrome. Identifiers: Orphanet 284343, MedGen C3839822, MONDO:0100216.

Submissions (2):

Foulkes Cancer Genetics LDI, Lady Davis Institute for Medical Research
Classification: Pathogenic for Pleuropulmonary blastoma. Last evaluated: 2019-07-01. Review status: criteria provided, single submitter. Criteria: ACMG Guidelines, 2015. Collection method: curation. Allele origin: somatic. Affected: yes. Observed: 1 variant allele.
Comment: ACMG criteria met: PS3, PM1, PM2, PM7, PP3, PP4, BP1

Dr. Peter K. Rogan Lab, Western University
No classification provided (evidence only). Condition: Papillary renal cell carcinoma type 1. Review status: no classification provided. Collection method: in vitro. Allele origin: not applicable. Functional consequence: retained intron. Not counted in ClinVar's aggregate classification.

Literature cited by the submitters: PubMed 24839956 (cited by Foulkes Cancer Genetics LDI, Lady Davis Institute for Medical Research).

NM_177438.3(DICER1):c.5425G>T (p.Gly1809Trp)

Gene: DICER1 (dicer 1, ribonuclease III; minus strand). Cytogenetic location: 14q32.13.
Variant type: single nucleotide variant.
Coding change: c.5425G>T on transcript NM_177438.3 (MANE Select); coding-DNA position 5425, G replaced by T.
Protein change: p.Gly1809Trp; replaces glycine 1809 with tryptophan.
Molecular consequence: missense variant. On other transcripts: intron variant (1).
Genome position (GRCh38, 1-based): chr14:95,091,305, C>A on the plus strand (G>T on the coding strand, the complement: DICER1 is on the minus strand). VCF-style: chr14-95091305-C-A. GRCh37 (hg19) VCF-style: chr14-95557642-C-A.
Other names: NC_000014.8:g.95557642C>A; c.5425G>T, p.Gly1809Trp (NM_001271282.3, NM_001291628.2, NM_030621.4); c.5365-196G>T (NM_001195573.1); short protein forms G1809W.
Identifiers: ClinVar variation 933078 (VCV000933078.4), dbSNP rs1595314951, ClinGen allele CA390864682.
Genomic context (GRCh38, chr14:95,091,305, plus strand): 5'-TCTCCAGTGACATCCCACTATCCATGTAAATGGCACCAGCAAGCGACTCAAAAATATCCC[C>A]CATGGCCTTTGGAACTTCAATATCCTCTTCTTTCTCTTCATCCTCCTCAGATCTCCTAAG-3'
Protein context (NP_803187.1, residues 1799-1819): EEDIEVPKAM[Gly1809Trp]DIFESLAGAI